The following is an entry in ClinVar:

ClinVar aggregate classification (germline): Uncertain significance. Review status: criteria provided, multiple submitters, no conflicts (2 of 4 stars). 2 submissions from 2 submitters: Uncertain significance (2). Last evaluated 2023-12-26.

Allele frequency attached by ClinVar (database versions not stated): gnomAD exomes 0.00001; ExAC 0.00002; gnomAD 0.00004; TOPMed 0.00004; ESP Exome Variant Server 0.00008.

Submissions (2):

Labcorp Genetics (formerly Invitae), Labcorp
Classification: Uncertain significance. Last evaluated: 2023-12-26. Review status: criteria provided, single submitter. Criteria: Invitae Variant Classification Sherloc (09022015). Collection method: clinical testing. Allele origin: germline.
Comment: This sequence change replaces leucine, which is neutral and non-polar, with phenylalanine, which is neutral and non-polar, at codon 109 of the GPR45 protein (p.Leu109Phe). This variant is present in population databases (rs140418322, gnomAD 0.03%). This variant has not been reported in the literature in individuals affected with GPR45-related conditions. ClinVar contains an entry for this variant (Variation ID: 1990839). Algorithms developed to predict the effect of missense changes on protein structure and function output the following: SIFT: "Not Available"; PolyPhen-2: "Benign"; Align-GVGD: "Not Available". The phenylalanine amino acid residue is found in multiple mammalian species, which suggests that this missense change does not adversely affect protein function. In summary, the available evidence is currently insufficient to determine the role of this variant in disease. Therefore, it has been classified as a Variant of Uncertain Significance.

Ambry Genetics
Classification: Uncertain significance. Last evaluated: 2023-12-14. Review status: criteria provided, single submitter. Criteria: Ambry Variant Classification Scheme 2023. Collection method: clinical testing. Allele origin: germline.

NM_007227.3(GPR45):c.325C>T (p.Leu109Phe)

Gene: GPR45 (G protein-coupled receptor 45; plus strand). Cytogenetic location: 2q12.1.
Variant type: single nucleotide variant.
Coding change: c.325C>T on transcript NM_007227.3 (MANE Select); coding-DNA position 325, C replaced by T.
Protein change: p.Leu109Phe; replaces leucine 109 with phenylalanine.
Molecular consequence: missense variant.
Genome position (GRCh38, 1-based): chr2:105,242,183, C>T. VCF-style: chr2-105242183-C-T. GRCh37 (hg19) VCF-style: chr2-105858640-C-T.
Other names: short protein forms L109F.
Identifiers: ClinVar variation 1990839 (VCV001990839.5), dbSNP rs140418322, ClinGen allele CA1813554.
Genomic context (GRCh38, chr2:105,242,183, plus strand): 5'-CCCTTCACCGCCGTCACCCTCATCACCGTGCGCTGGCACTTTGGGGACCACTTCTGCCGC[C>T]TCTCAGCCACGCTCTACTGGTTTTTTGTCCTGGAGGGCGTGGCCATCCTGCTCATCATCA-3'
Protein context (NP_009158.3, residues 99-119): RWHFGDHFCR[Leu109Phe]SATLYWFFVL